The following is an entry in ClinVar:

ClinVar aggregate classification (germline): Uncertain significance (1 of 4 stars; one submission).

Conditions:
Hereditary cancer-predisposing syndrome. Also called: Neoplastic Syndromes, Hereditary; Tumor predisposition; Hereditary Cancer Syndrome; Hereditary neoplastic syndrome. Identifiers: Orphanet 140162, MedGen C0027672, MeSH D009386, MONDO:0015356.

Submission:

Ambry Genetics
Classification: Uncertain significance for Hereditary cancer-predisposing syndrome. Last evaluated: 2026-06-08. Review status: criteria provided, single submitter. Criteria: Ambry Variant Classification Scheme 2023. Collection method: clinical testing. Allele origin: germline.
Comment: The p.I224V variant (also known as c.670A>G), located in coding exon 7 of the MITF gene, results from an A to G substitution at nucleotide position 670. The isoleucine at codon 224 is replaced by valine, an amino acid with highly similar properties. This amino acid position is conserved. In addition, this alteration is predicted to be deleterious by in silico analysis. Based on the available evidence, the clinical significance of this variant remains unclear.

NM_001354604.2(MITF):c.991A>G (p.Ile331Val)

Gene: MITF (melanocyte inducing transcription factor; plus strand). Cytogenetic location: 3p13.
Variant type: single nucleotide variant.
Coding change: c.991A>G on transcript NM_001354604.2 (MANE Select); coding-DNA position 991, A replaced by G.
Protein change: p.Ile331Val; replaces isoleucine 331 with valine.
Molecular consequence: missense variant.
Genome position (GRCh38, 1-based): chr3:69,956,490, A>G. VCF-style: chr3-69956490-A-G. GRCh37 (hg19) VCF-style: chr3-70005641-A-G.
Other names: c.670A>G, p.Ile224Val (NM_000248.4); c.817A>G, p.Ile273Val (NM_001184967.2, NM_001354608.2); c.988A>G, p.Ile330Val (NM_001354605.2); c.970A>G, p.Ile324Val (NM_001354606.2, NM_006722.3); c.922A>G, p.Ile308Val (NM_001354607.2); c.652A>G, p.Ile218Val (NM_198158.3); c.973A>G, p.Ile325Val (NM_198159.3); c.925A>G, p.Ile309Val (NM_198177.3); and 1 more; short protein forms I162V, I218V, I224V, I273V, I308V, I309V, I324V, I325V.
Identifiers: ClinVar variation 4860080 (VCV004860080.1).